The following is an entry in ClinVar:

ClinVar aggregate classification (germline): Uncertain significance (1 of 4 stars; one submission).

Conditions:
Dilated cardiomyopathy 1G (CMD1G). Identifiers: Orphanet 154, MedGen C1858763, MONDO:0011400, OMIM 604145.
Autosomal recessive limb-girdle muscular dystrophy type 2J (LGMDR10). Also called: MUSCULAR DYSTROPHY, LIMB-GIRDLE, AUTOSOMAL RECESSIVE 10; Limb-girdle muscular dystrophy, type 2J. Identifiers: Orphanet 140922, MedGen C1837342, MONDO:0012127, OMIM 608807.

Submission:

Labcorp Genetics (formerly Invitae), Labcorp
Classification: Uncertain significance for Dilated cardiomyopathy 1G; Autosomal recessive limb-girdle muscular dystrophy type 2J. Last evaluated: 2025-04-22. Review status: criteria provided, single submitter. Criteria: Invitae Variant Classification Sherloc (09022015). Collection method: clinical testing. Allele origin: germline.
Comment: This sequence change replaces leucine, which is neutral and non-polar, with arginine, which is basic and polar, at codon 35114 of the TTN protein (p.Leu35114Arg). This variant is not present in population databases (gnomAD no frequency). This variant has not been reported in the literature in individuals affected with TTN-related conditions. ClinVar contains an entry for this variant (Variation ID: 2134665). Experimental studies and prediction algorithms are not available or were not evaluated, and the functional significance of this variant is currently unknown. This variant is located in the M band of TTN (PMID: 25589632). Non-truncating variants in this region may be relevant for neuromuscular disorders, but have not been definitively shown to cause cardiomyopathy (PMID: 23975875). In summary, the available evidence is currently insufficient to determine the role of this variant in disease. Therefore, it has been classified as a Variant of Uncertain Significance.

Literature cited by the submitters: PubMed 25589632; PubMed 23975875.

NM_001267550.2(TTN):c.105341T>G (p.Leu35114Arg)

Genes: TTN-AS1 (TTN antisense RNA 1; plus strand), TTN (titin; minus strand). Cytogenetic location: 2q31.2.
Variant type: single nucleotide variant.
Coding change: c.105341T>G on transcript NM_001267550.2 (MANE Select); coding-DNA position 105341, T replaced by G.
Protein change: p.Leu35114Arg; replaces leucine 35114 with arginine.
Molecular consequence: missense variant.
Genome position (GRCh38, 1-based): chr2:178,531,274, A>C on the plus strand (T>G on the coding strand, the complement: TTN is on the minus strand). VCF-style: chr2-178531274-A-C. GRCh37 (hg19) VCF-style: chr2-179396001-A-C.
Other names: c.100418T>G, p.Leu33473Arg (NM_001256850.1); c.78146T>G, p.Leu26049Arg (NM_003319.4); c.97637T>G, p.Leu32546Arg (NM_133378.4); c.78521T>G, p.Leu26174Arg (NM_133432.3); c.78722T>G, p.Leu26241Arg (NM_133437.4); short protein forms L26049R, L26241R, L32546R, L33473R, L35114R, L26174R.
Identifiers: ClinVar variation 2134665 (VCV002134665.4), dbSNP rs2468403995, ClinGen allele CA349408965.
Genomic context (GRCh38, chr2:178,531,274, plus strand): 5'-TTTGTTAGAATTCTTGCTGCCAAAGTCGTCTTGATCTTTCTGGTTGTGGATTTTTCTTCC[A>C]GTGACTTTTCTTCTAATGCAGCACTTTTCATTTCTGCAGATGCAGAGTGTTCATATGAGG-3'
Protein context (NP_001254479.2, residues 35104-35124): MKSAALEEKS[Leu35114Arg]EEKSTTRKIK